The following is an entry in ClinVar:

NM_006922.4(SCN3A):c.3434A>G (p.Asp1145Gly)

Gene: SCN3A (sodium voltage-gated channel alpha subunit 3; minus strand). Cytogenetic location: 2q24.3.
Variant type: single nucleotide variant.
Coding change: c.3434A>G on transcript NM_006922.4 (MANE Select); coding-DNA position 3434, A replaced by G.
Protein change: p.Asp1145Gly; replaces aspartic acid 1145 with glycine.
Molecular consequence: missense variant.
Genome position (GRCh38, 1-based): chr2:165,115,535, T>C on the plus strand (A>G on the coding strand, the complement: SCN3A is on the minus strand). VCF-style: chr2-165115535-T-C. GRCh37 (hg19) VCF-style: chr2-165972045-T-C.
Other names: c.3287A>G, p.Asp1096Gly (NM_001081676.2, NM_001081677.2); short protein forms D1096G, D1145G.
Identifiers: ClinVar variation 3776480 (VCV003776480.2).

ClinVar aggregate classification (germline): Uncertain significance. Review status: criteria provided, multiple submitters, no conflicts (2 of 4 stars). 2 submissions from 2 submitters: Uncertain significance (2). Last evaluated 2024-10-11.

gnomAD v4.1: 1 of 1,613,874 alleles (0.000062%); highest among the groups gnomAD compares: Non-Finnish European, 0.000085%; no homozygotes.

Submissions (2):

Blueprint Genetics
Classification: Uncertain significance. Last evaluated: 2024-10-11. Review status: criteria provided, single submitter. Criteria: ACMG Guidelines, 2015. Collection method: clinical testing. Allele origin: germline.

GeneDx
Classification: Uncertain significance. Last evaluated: 2024-10-03. Review status: criteria provided, single submitter. Criteria: GeneDx Variant Classification Process June 2021. Collection method: clinical testing. Allele origin: germline. Affected: yes.
Comment: Not observed at significant frequency in large population cohorts (gnomAD); In silico analysis supports that this missense variant has a deleterious effect on protein structure/function; Has not been previously published as pathogenic or benign to our knowledge